The following is an entry in ClinVar:

ClinVar aggregate classification (germline): Uncertain significance. Review status: criteria provided, multiple submitters, no conflicts (2 of 4 stars). 4 submissions from 4 submitters: Uncertain significance (2). 2 of the submissions do not count toward it. Last evaluated 2026-03-11.

Conditions:
PKD1-related disorder. Also called: PKD1-related condition.

gnomAD v4.1: 42 of 1,610,176 alleles (0.0026%); highest among the groups gnomAD compares: Non-Finnish European, 0.0033%; no homozygotes.

Submissions (4):

PreventionGenetics, part of Exact Sciences
Classification: Uncertain significance for PKD1-related condition. Last evaluated: 2026-03-11. Review status: criteria provided, single submitter. Criteria: ACMG Guidelines, 2015. Collection method: clinical testing. Allele origin: germline.
Comment: The PKD1 c.4475G>C variant is predicted to result in the amino acid substitution p.Arg1492Pro. This variant has been reported in an individual with polycystic kidney disease (PKD); however, the patient also harbored a pathogenic frameshift variant in PKD1 (Table 1: patient 3, Borràs DM et al. 2017. PubMed ID: 28378423). This variant is reported in 0.0074% of alleles in individuals of European (Non-Finnish) descent in gnomAD. Although we suspect this variant may be benign, at this time, the clinical significance of this variant is uncertain due to the absence of conclusive functional and genetic evidence.

Blueprint Genetics
Classification: Uncertain significance. Last evaluated: 2022-07-04. Review status: criteria provided, single submitter. Criteria: ACMG Guidelines, 2015. Collection method: clinical testing. Allele origin: germline.

Genome Diagnostics Laboratory, University Medical Center Utrecht
Classification: Likely benign. Review status: no assertion criteria provided. Collection method: clinical testing. Allele origin: germline. Affected: yes. Study: VKGL Data-share Consensus. Not counted in ClinVar's aggregate classification.

Laboratory of Diagnostic Genome Analysis, Leiden University Medical Center (LUMC)
Classification: Likely benign. Review status: no assertion criteria provided. Collection method: clinical testing. Allele origin: germline. Affected: yes. Study: VKGL Data-share Consensus. Not counted in ClinVar's aggregate classification.

NM_001009944.3(PKD1):c.4475G>C (p.Arg1492Pro)

Gene: PKD1 (polycystin 1, transient receptor potential channel interacting; minus strand). Cytogenetic location: 16p13.3.
Variant type: single nucleotide variant.
Coding change: c.4475G>C on transcript NM_001009944.3 (MANE Select); coding-DNA position 4475, G replaced by C.
Protein change: p.Arg1492Pro; replaces arginine 1492 with proline.
Molecular consequence: missense variant.
Genome position (GRCh38, 1-based): chr16:2,110,692, C>G on the plus strand (G>C on the coding strand, the complement: PKD1 is on the minus strand). VCF-style: chr16-2110692-C-G. GRCh37 (hg19) VCF-style: chr16-2160693-C-G.
Other names: c.4475G>C, p.Arg1492Pro (NM_000296.4); c.4475G>C (NM_001009944.2); short protein forms R1492P.
Identifiers: ClinVar variation 1328044 (VCV001328044.4), dbSNP rs757055929, ClinGen allele CA7832362.
Genomic context (GRCh38, chr16:2,110,692, plus strand): 5'-TCCGGACCCTCGAGCCACCCACCGTCCCCCAGATCCCACAGGTAGCTGGCGGGGCGCCCA[C>G]GGCCCACAGCAGAGAACAGGTACGGCTGCTGCAGCTCCAGCCCAAGGGAGCCATTGACCT-3'
Protein context (NP_001009944.3, residues 1482-1502): QQPYLFSAVG[Arg1492Pro]GRPASYLWDL